The following is an entry in ClinVar:

ClinVar aggregate classification (germline): Uncertain significance. Review status: criteria provided, multiple submitters, no conflicts (2 of 4 stars). 3 submissions from 3 submitters: Uncertain significance (3). Last evaluated 2025-07-08.

Conditions:
Familial cancer of breast. Also called: Hereditary breast cancer; hereditary breast carcinoma; BREAST CANCER, FAMILIAL. Identifiers: Orphanet 227535, MedGen C0346153, MONDO:0016419, OMIM 114480. Disease mechanism: loss of function.
Breast-ovarian cancer, familial, susceptibility to, 1 (BROVCA1). Also called: BRCA1 Hereditary Breast and Ovarian Cancer; OVARIAN CANCER, SUSCEPTIBILITY TO. Identifiers: Orphanet 145, MedGen C2676676, MONDO:0011450, OMIM 604370. Disease mechanism: loss of function.
Pancreatic cancer, susceptibility to, 4. Identifiers: Orphanet 1333, MedGen C3280442, MONDO:0013685, OMIM 614320.
Fanconi anemia, complementation group S (FANCS). Identifiers: MedGen C4554406, MONDO:0054748, OMIM 617883.
Hereditary cancer-predisposing syndrome. Also called: Tumor predisposition; Hereditary neoplastic syndrome; Hereditary Cancer Syndrome; Neoplastic Syndromes, Hereditary. Identifiers: Orphanet 140162, MedGen C0027672, MeSH D009386, MONDO:0015356.
Hereditary breast ovarian cancer syndrome. Also called: Hereditary breast and/or ovarian cancer syndrome; Breast and ovarian cancer; Hereditary breast and ovarian cancer syndrome; Hereditary breast and ovarian cancer; Hereditary breast and ovarian cancer syndrome (HBOC); BRCA1- and BRCA2-Associated Hereditary Breast and Ovarian Cancer. Identifiers: Orphanet 145, MedGen C0677776, MeSH D061325, MONDO:0003582. Disease mechanism: loss of function.

Allele frequency attached by ClinVar (database versions not stated): gnomAD exomes below 0.00001; gnomAD 0.00001.

Submissions (3):

Labcorp Genetics (formerly Invitae), Labcorp
Classification: Uncertain significance for Hereditary breast ovarian cancer syndrome. Last evaluated: 2025-07-08. Review status: criteria provided, single submitter. Criteria: Invitae Variant Classification Sherloc (09022015). Collection method: clinical testing. Allele origin: germline.
Comment: This sequence change replaces methionine, which is neutral and non-polar, with valine, which is neutral and non-polar, at codon 1411 of the BRCA1 protein (p.Met1411Val). This variant is not present in population databases (gnomAD no frequency). This variant has not been reported in the literature in individuals affected with BRCA1-related conditions. ClinVar contains an entry for this variant (Variation ID: 141465). Invitae Evidence Modeling of protein sequence and biophysical properties (such as structural, functional, and spatial information, amino acid conservation, physicochemical variation, residue mobility, and thermodynamic stability) indicates that this missense variant is expected to disrupt BRCA1 protein function with a positive predictive value of 80%. In summary, the available evidence is currently insufficient to determine the role of this variant in disease. Therefore, it has been classified as a Variant of Uncertain Significance.

Ambry Genetics
Classification: Uncertain significance for Hereditary cancer-predisposing syndrome. Last evaluated: 2023-07-25. Review status: criteria provided, single submitter. Criteria: Ambry Variant Classification Scheme 2023. Collection method: clinical testing. Allele origin: germline.
Comment: The p.M1411V variant (also known as c.4231A>G), located in coding exon 11 of the BRCA1 gene, results from an A to G substitution at nucleotide position 4231. The methionine at codon 1411 is replaced by valine, an amino acid with highly similar properties. This amino acid position is highly conserved in available vertebrate species. In addition, the in silico prediction for this alteration is inconclusive. Since supporting evidence is limited at this time, the clinical significance of this alteration remains unclear.

Fulgent Genetics
Classification: Uncertain significance for Familial cancer of breast; Breast-ovarian cancer, familial, susceptibility to, 1; Pancreatic cancer, susceptibility to, 4; Fanconi anemia, complementation group S. Last evaluated: 2018-10-31. Review status: criteria provided, single submitter. Criteria: ACMG Guidelines, 2015. Collection method: clinical testing. Allele origin: unknown.

NM_007294.4(BRCA1):c.4231A>G (p.Met1411Val)

Gene: BRCA1 (BRCA1 DNA repair associated; minus strand). Cytogenetic location: 17q21.31.
Variant type: single nucleotide variant.
Coding change: c.4231A>G on transcript NM_007294.4 (MANE Select); coding-DNA position 4231, A replaced by G.
Protein change: p.Met1411Val; replaces methionine 1411 with valine.
Molecular consequence: missense variant. On other transcripts: non-coding transcript variant (1).
Genome position (GRCh38, 1-based): chr17:43,082,530, T>C on the plus strand (A>G on the coding strand, the complement: BRCA1 is on the minus strand). VCF-style: chr17-43082530-T-C. GRCh37 (hg19) VCF-style: chr17-41234547-T-C.
Other names: c.796A>G, p.Met266Val (NM_001408441.1, NM_001408442.1, NM_001408443.1 and 10 more transcripts); c.787A>G, p.Met263Val (NM_001408451.1); c.781A>G, p.Met261Val (NM_001408452.1, NM_001408453.1, NM_001408454.1 and 8 more transcripts); c.778A>G, p.Met260Val (NM_001408462.1, NM_001408463.1, NM_001408464.1 and 5 more transcripts); c.775A>G, p.Met259Val (NM_001408470.1); c.919A>G, p.Met307Val (NM_001408472.1, NM_001408473.1, NM_001407979.1 and 18 more transcripts); c.721A>G, p.Met241Val (NM_001408474.1, NM_001408476.1); c.718A>G, p.Met240Val (NM_001408475.1); and 51 more; short protein forms M1411V, M1364V, M308V, M1242V, M1339V, M1340V, M1369V, M1370V.
Identifiers: ClinVar variation 141465 (VCV000141465.17), dbSNP rs587781768, ClinGen allele CA002722.
Genomic context (GRCh38, chr17:43,082,530, plus strand): 5'-AAGGGTAGCTGTTAGAAGGCTGGCTCCCATGCTGTTCTAACACAGCTTCTAGTTCAGCCA[T>C]TTCCTGCTGGAGCTTTATCAGGTTATGTTGCATGGTATCCCTCTGCTTCAAAAACGATAA-3'
Protein context (NP_009225.1, residues 1401-1421): QHNLIKLQQE[Met1411Val]AELEAVLEQH